The following is an entry in ClinVar:

ClinVar aggregate classification (germline): Uncertain significance. Review status: criteria provided, multiple submitters, no conflicts (2 of 4 stars). 2 submissions from 2 submitters: Uncertain significance (2). Last evaluated 2024-04-01.

Conditions:
Inborn genetic diseases. Identifiers: MedGen C0950123, MeSH D030342.

Allele frequency attached by ClinVar (database versions not stated): gnomAD 0.00001; TOPMed 0.00002.
gnomAD v4.1: 1 of 1,614,010 alleles (0.000062%); highest among the groups gnomAD compares: Non-Finnish European, 0.000085%; no homozygotes.

Submissions (2):

Ambry Genetics
Classification: Uncertain significance for Inborn genetic diseases. Last evaluated: 2024-04-01. Review status: criteria provided, single submitter. Criteria: Ambry Variant Classification Scheme 2023. Collection method: clinical testing. Allele origin: germline.

Labcorp Genetics (formerly Invitae), Labcorp
Classification: Uncertain significance. Last evaluated: 2022-02-21. Review status: criteria provided, single submitter. Criteria: Invitae Variant Classification Sherloc (09022015). Collection method: clinical testing. Allele origin: germline.
Comment: This sequence change replaces threonine, which is neutral and polar, with alanine, which is neutral and non-polar, at codon 1208 of the LCT protein (p.Thr1208Ala). This variant is not present in population databases (gnomAD no frequency). This variant has not been reported in the literature in individuals affected with LCT-related conditions. Algorithms developed to predict the effect of missense changes on protein structure and function are either unavailable or do not agree on the potential impact of this missense change (SIFT: "Not Available"; PolyPhen-2: "Benign"; Align-GVGD: "Not Available"). In summary, the available evidence is currently insufficient to determine the role of this variant in disease. Therefore, it has been classified as a Variant of Uncertain Significance.

NM_002299.4(LCT):c.3622A>G (p.Thr1208Ala)

Gene: LCT (lactase; minus strand). Cytogenetic location: 2q21.3.
Variant type: single nucleotide variant.
Coding change: c.3622A>G on transcript NM_002299.4 (MANE Select); coding-DNA position 3622, A replaced by G.
Protein change: p.Thr1208Ala; replaces threonine 1208 with alanine.
Molecular consequence: missense variant.
Genome position (GRCh38, 1-based): chr2:135,808,725, T>C on the plus strand (A>G on the coding strand, the complement: LCT is on the minus strand). VCF-style: chr2-135808725-T-C. GRCh37 (hg19) VCF-style: chr2-136566295-T-C.
Other names: short protein forms T1208A.
Identifiers: ClinVar variation 2100968 (VCV002100968.5), dbSNP rs2077699860, ClinGen allele CA348599124.